The following is an entry in ClinVar:

ClinVar aggregate classification (germline): Uncertain significance (1 of 4 stars; one submission).

Submission:

Women's Health and Genetics/Laboratory Corporation of America, LabCorp
Classification: Uncertain significance. Last evaluated: 2024-06-03. Review status: criteria provided, single submitter. Criteria: LabCorp Variant Classification Summary - May 2015. Collection method: clinical testing. Allele origin: germline.
Comment: Variant summary: ZNHIT3 c.255_256delCA (p.Asp85GlufsX68) results in a premature termination codon in the pentultimate exon, predicted to cause a truncation of the encoded protein, however, nonsense mediated decay is not expected to occur. The variant allele was found at a frequency of 4e-06 in 251366 control chromosomes. The available data on variant occurrences in the general population are insufficient to allow any conclusion about variant significance. To our knowledge, no occurrence of c.255_256delCA in individuals affected with PEHO Syndrome and no experimental evidence demonstrating its impact on protein function have been reported. No submitters have cited clinical-significance assessments for this variant to ClinVar. Based on the evidence outlined above, the variant was classified as uncertain significance.

NM_004773.4(ZNHIT3):c.255_256del (p.Asp85fs)

Gene: ZNHIT3 (zinc finger HIT-type containing 3; plus strand). Cytogenetic location: 17q12.
Variant type: Deletion.
Coding change: c.255_256del on transcript NM_004773.4 (MANE Select); coding-DNA positions 255 to 256, 2 bases deleted (CA; older notation c.255_256delCA).
Protein change: p.Asp85fs; shifts the reading frame from aspartic acid 85.
Molecular consequence: frameshift variant. On other transcripts: non-coding transcript variant (3), intron variant (1).
Genome position (GRCh38, 1-based): chr17:36,493,975-36,493,976, CA deleted; deleting any 2 consecutive bases within chr17:36,493,974-36,493,976 gives the same sequence; the c. name uses the placement nearest the transcript's 3' end. VCF-style (leftmost placement, unchanged base first): chr17-36493973-GAC-G. GRCh37 (hg19) VCF-style: chr17-34849817-GAC-G.
Other names: c.255_256del, p.Asp85fs (NM_001281432.2); c.221_222del, p.Thr74fs (NM_001281433.2); c.119-1248_119-1247del (NM_001281434.2); c.255_256delCA (NM_004773.4); short protein forms D85fs, T74fs.
Identifiers: ClinVar variation 3339761 (VCV003339761.1).